The following is an entry in ClinVar:

NM_001378454.1(ALMS1):c.11099A>G (p.His3700Arg)

Gene: ALMS1 (ALMS1 centrosome and basal body associated protein; plus strand). Cytogenetic location: 2p13.1.
Variant type: single nucleotide variant.
Coding change: c.11099A>G on transcript NM_001378454.1 (MANE Select); coding-DNA position 11099, A replaced by G.
Protein change: p.His3700Arg; replaces histidine 3700 with arginine.
Molecular consequence: missense variant.
Genome position (GRCh38, 1-based): chr2:73,572,976, A>G. VCF-style: chr2-73572976-A-G. GRCh37 (hg19) VCF-style: chr2-73800103-A-G.
Other names: c.11102A>G, p.His3701Arg (NM_015120.4); short protein forms H3700R, H3701R.
Identifiers: ClinVar variation 2230782 (VCV002230782.3), dbSNP rs1256508287, ClinGen allele CA347287313.

ClinVar aggregate classification (germline): Uncertain significance. Review status: criteria provided, multiple submitters, no conflicts (2 of 4 stars). 2 submissions from 2 submitters: Uncertain significance (2). Last evaluated 2025-01-02.

Conditions:
Cardiovascular phenotype. Identifiers: MedGen CN230736.
Alstrom syndrome (ALMS). Identifiers: Orphanet 64, MedGen C0268425, MONDO:0008763, OMIM 203800.

Allele frequency attached by ClinVar (database versions not stated): TOPMed 0.00001; gnomAD 0.00002.
gnomAD v4.1: 4 of 1,614,050 alleles (0.00025%); highest among the groups gnomAD compares: African/African-American, 0.004%; no homozygotes.

Submissions (2):

Labcorp Genetics (formerly Invitae), Labcorp
Classification: Uncertain significance for Alstrom syndrome. Last evaluated: 2025-01-02. Review status: criteria provided, single submitter. Criteria: Invitae Variant Classification Sherloc (09022015). Collection method: clinical testing. Allele origin: germline.
Comment: This sequence change replaces histidine, which is basic and polar, with arginine, which is basic and polar, at codon 3701 of the ALMS1 protein (p.His3701Arg). This variant is not present in population databases (gnomAD no frequency). This variant has not been reported in the literature in individuals affected with ALMS1-related conditions. ClinVar contains an entry for this variant (Variation ID: 2230782). Experimental studies and prediction algorithms are not available or were not evaluated, and the functional significance of this variant is currently unknown. In summary, the available evidence is currently insufficient to determine the role of this variant in disease. Therefore, it has been classified as a Variant of Uncertain Significance.

Ambry Genetics
Classification: Uncertain significance for Cardiovascular phenotype. Last evaluated: 2023-03-03. Review status: criteria provided, single submitter. Criteria: Ambry Variant Classification Scheme 2023. Collection method: clinical testing. Allele origin: germline.
Comment: The p.H3701R variant (also known as c.11102A>G), located in coding exon 16 of the ALMS1 gene, results from an A to G substitution at nucleotide position 11102. The histidine at codon 3701 is replaced by arginine, an amino acid with highly similar properties. This amino acid position is poorly conserved in available vertebrate species. In addition, this alteration is predicted to be tolerated by in silico analysis. Since supporting evidence is limited at this time, the clinical significance of this alteration remains unclear.